The following is an entry in ClinVar:

ClinVar aggregate classification (germline): Uncertain significance (1 of 4 stars; one submission).

Submission:

GeneDx
Classification: Uncertain significance. Last evaluated: 2024-10-16. Review status: criteria provided, single submitter. Criteria: GeneDx Variant Classification Process June 2021. Collection method: clinical testing. Allele origin: germline. Affected: yes.
Comment: Not observed at significant frequency in large population cohorts (gnomAD); In silico analysis indicates that this missense variant does not alter protein structure/function; Has not been previously published as pathogenic or benign to our knowledge; Variants in candidate genes are classified as variants of uncertain significance in accordance with ACMG guidelines (PMID: 25741868)

NM_003400.4(XPO1):c.991A>G (p.Lys331Glu)

Gene: XPO1 (exportin 1; minus strand). Cytogenetic location: 2p15.
Variant type: single nucleotide variant.
Coding change: c.991A>G on transcript NM_003400.4 (MANE Select); coding-DNA position 991, A replaced by G.
Protein change: p.Lys331Glu; replaces lysine 331 with glutamic acid.
Molecular consequence: missense variant.
Genome position (GRCh38, 1-based): chr2:61,495,511, T>C on the plus strand (A>G on the coding strand, the complement: XPO1 is on the minus strand). VCF-style: chr2-61495511-T-C. GRCh37 (hg19) VCF-style: chr2-61722646-T-C.
Other names: c.991A>G, p.Lys331Glu (NM_001410799.1); short protein forms K331E.
Identifiers: ClinVar variation 4076611 (VCV004076611.1).